The following is an entry in ClinVar:

NM_000051.4(ATM):c.3650T>C (p.Leu1217Pro)

Gene: ATM (ATM serine/threonine kinase; plus strand). Cytogenetic location: 11q22.3.
Variant type: single nucleotide variant.
Coding change: c.3650T>C on transcript NM_000051.4 (MANE Select); coding-DNA position 3650, T replaced by C.
Protein change: p.Leu1217Pro; replaces leucine 1217 with proline.
Molecular consequence: missense variant.
Genome position (GRCh38, 1-based): chr11:108,282,783, T>C. VCF-style: chr11-108282783-T-C. GRCh37 (hg19) VCF-style: chr11-108153510-T-C.
Other names: c.3650T>C, p.Leu1217Pro (NM_001351834.2); short protein forms L1217P.
Identifiers: ClinVar variation 1438888 (VCV001438888.8), dbSNP rs1555092405, ClinGen allele CA382522964.

ClinVar aggregate classification (germline): Uncertain significance. Review status: criteria provided, multiple submitters, no conflicts (2 of 4 stars). 2 submissions from 2 submitters: Uncertain significance (2). Last evaluated 2021-08-06.

Conditions:
Hereditary cancer-predisposing syndrome. Also called: Neoplastic Syndromes, Hereditary; Hereditary Cancer Syndrome; Tumor predisposition; Hereditary neoplastic syndrome. Identifiers: Orphanet 140162, MedGen C0027672, MeSH D009386, MONDO:0015356.
Ataxia-telangiectasia syndrome (AT). Also called: ATAXIA-TELANGIECTASIA, FRESNO VARIANT; ATAXIA-TELANGIECTASIA, COMPLEMENTATION GROUP A; Ataxia-telangiectasia, complementation group D; AT, COMPLEMENTATION GROUP C; Ataxia telangiectasia (A-T); LOUIS-BAR SYNDROME. Identifiers: Orphanet 100, MedGen C0004135, MONDO:0008840, OMIM 208900.

Submissions (2):

Labcorp Genetics (formerly Invitae), Labcorp
Classification: Uncertain significance for Ataxia-telangiectasia syndrome. Last evaluated: 2021-08-06. Review status: criteria provided, single submitter. Criteria: Invitae Variant Classification Sherloc (09022015). Collection method: clinical testing. Allele origin: germline.
Comment: This sequence change replaces leucine with proline at codon 1217 of the ATM protein (p.Leu1217Pro). The leucine residue is highly conserved and there is a moderate physicochemical difference between leucine and proline. This variant is not present in population databases (ExAC no frequency). This variant has not been reported in the literature in individuals affected with ATM-related conditions. Advanced modeling of protein sequence and biophysical properties (such as structural, functional, and spatial information, amino acid conservation, physicochemical variation, residue mobility, and thermodynamic stability) performed at Invitae indicates that this missense variant is not expected to disrupt ATM protein function. In summary, the available evidence is currently insufficient to determine the role of this variant in disease. Therefore, it has been classified as a Variant of Uncertain Significance.

Ambry Genetics
Classification: Uncertain significance for Hereditary cancer-predisposing syndrome. Last evaluated: 2020-09-10. Review status: criteria provided, single submitter. Criteria: Ambry Variant Classification Scheme 2023. Collection method: clinical testing. Allele origin: germline.
Comment: The p.L1217P variant (also known as c.3650T>C), located in coding exon 24 of the ATM gene, results from a T to C substitution at nucleotide position 3650. The leucine at codon 1217 is replaced by proline, an amino acid with similar properties. This amino acid position is highly conserved in available vertebrate species. In addition, this alteration is predicted to be deleterious by in silico analysis. Since supporting evidence is limited at this time, the clinical significance of this alteration remains unclear.